The following is an entry in ClinVar:

NM_138295.5(PKD1L1):c.7452A>G (p.Gln2484=)

Genes: PKD1L1 (polycystin 1 like 1, transient receptor potential channel interacting; minus strand), PKD1L1-AS1 (PKD1L1 antisense RNA 1; plus strand). Cytogenetic location: 7p12.3.
Variant type: single nucleotide variant.
Coding change: c.7452A>G on transcript NM_138295.5 (MANE Select); coding-DNA position 7452, A replaced by G.
Protein change: p.Gln2484=; no amino-acid change (glutamine 2484 retained).
Molecular consequence: synonymous variant.
Genome position (GRCh38, 1-based): chr7:47,811,946, T>C on the plus strand (A>G on the coding strand, the complement: PKD1L1 is on the minus strand). VCF-style: chr7-47811946-T-C. GRCh37 (hg19) VCF-style: chr7-47851544-T-C.
Other names: NC_000007.13:g.47851544T>C.
Identifiers: ClinVar variation 3032611 (VCV003032611.3), dbSNP rs750386642, ClinGen allele CA4252020.

ClinVar aggregate classification (germline): Likely benign (0 of 4 stars; one submission).

Conditions:
PKD1L1-related disorder. Also called: PKD1L1-related condition.

Allele frequency attached by ClinVar (database versions not stated): gnomAD 0.00003; TOPMed 0.00003; gnomAD exomes 0.00005; ExAC 0.00015.
gnomAD v4.1: 71 of 1,604,318 alleles (0.0044%); highest among the groups gnomAD compares: Non-Finnish European, 0.0054%; no homozygotes.

Submissions (2):

PreventionGenetics, part of Exact Sciences
Classification: Likely benign for PKD1L1-related condition. Last evaluated: 2020-10-19. Review status: no assertion criteria provided. Collection method: clinical testing. Allele origin: germline.
Comment: This variant is classified as likely benign based on ACMG/AMP sequence variant interpretation guidelines (Richards et al. 2015 PMID: 25741868, with internal and published modifications).

Dr. Peter K. Rogan Lab, Western University
No classification provided (evidence only). Condition: Malignant tumor of esophagus. Review status: no classification provided. Collection method: in vitro. Allele origin: not applicable. Functional consequence: retained intron. Not counted in ClinVar's aggregate classification.